The following is an entry in ClinVar:

ClinVar aggregate classification (germline): Uncertain significance (1 of 4 stars; one submission).

Allele frequency attached by ClinVar (database versions not stated): gnomAD exomes below 0.00001.
gnomAD v4.1: 1 of 1,614,104 alleles (0.000062%); highest among the groups gnomAD compares: Non-Finnish European, 0.000085%; no homozygotes.

Submission:

Labcorp Genetics (formerly Invitae), Labcorp
Classification: Uncertain significance. Last evaluated: 2025-10-01. Review status: criteria provided, single submitter. Criteria: Invitae Variant Classification Sherloc (09022015). Collection method: clinical testing. Allele origin: germline.
Comment: This sequence change replaces valine, which is neutral and non-polar, with isoleucine, which is neutral and non-polar, at codon 111 of the POGLUT1 protein (p.Val111Ile). This variant is not present in population databases (gnomAD no frequency). This variant has not been reported in the literature in individuals affected with POGLUT1-related conditions. ClinVar contains an entry for this variant (Variation ID: 2085740). Invitae Evidence Modeling of protein sequence and biophysical properties (such as structural, functional, and spatial information, amino acid conservation, physicochemical variation, residue mobility, and thermodynamic stability) indicates that this missense variant is not expected to disrupt POGLUT1 protein function with a negative predictive value of 80%. In summary, the available evidence is currently insufficient to determine the role of this variant in disease. Therefore, it has been classified as a Variant of Uncertain Significance.

NM_152305.3(POGLUT1):c.331G>A (p.Val111Ile)

Gene: POGLUT1 (protein O-glucosyltransferase 1; plus strand). Cytogenetic location: 3q13.33.
Variant type: single nucleotide variant.
Coding change: c.331G>A on transcript NM_152305.3 (MANE Select); coding-DNA position 331, G replaced by A.
Protein change: p.Val111Ile; replaces valine 111 with isoleucine.
Molecular consequence: missense variant. On other transcripts: non-coding transcript variant (1).
Genome position (GRCh38, 1-based): chr3:119,477,323, G>A. VCF-style: chr3-119477323-G-A. GRCh37 (hg19) VCF-style: chr3-119196170-G-A.
Other names: c.331G>A, p.Val111Ile (NM_020231.3); short protein forms V111I.
Identifiers: ClinVar variation 2085740 (VCV002085740.4), dbSNP rs2473027199, ClinGen allele CA354039975.